The following is an entry in ClinVar:

ClinVar aggregate classification (germline): Uncertain significance. Review status: criteria provided, multiple submitters, no conflicts (2 of 4 stars). 2 submissions from 2 submitters: Uncertain significance (2). Last evaluated 2025-09-05.

Conditions:
Combined immunodeficiency due to LRBA deficiency. Also called: Common variable immunodeficiency 8, with autoimmunity. Identifiers: Orphanet 445018, MedGen C3553512, MONDO:0013863, OMIM 614700.
Inborn genetic diseases. Identifiers: MedGen C0950123, MeSH D030342.

Allele frequency attached by ClinVar (database versions not stated): gnomAD exomes 0.00001 and 0.00003; gnomAD 0.00003; TOPMed 0.00004.
gnomAD v4.1: 49 of 1,611,188 alleles (0.003%); highest among the groups gnomAD compares: Non-Finnish European, 0.0041%; 1 homozygote.

Submissions (2):

Ambry Genetics
Classification: Uncertain significance for Inborn genetic diseases. Last evaluated: 2025-09-05. Review status: criteria provided, single submitter. Criteria: Ambry Variant Classification Scheme 2023. Collection method: clinical testing. Allele origin: germline.

Labcorp Genetics (formerly Invitae), Labcorp
Classification: Uncertain significance for Combined immunodeficiency due to LRBA deficiency. Last evaluated: 2023-11-27. Review status: criteria provided, single submitter. Criteria: Invitae Variant Classification Sherloc (09022015). Collection method: clinical testing. Allele origin: germline.
Comment: This sequence change replaces isoleucine, which is neutral and non-polar, with valine, which is neutral and non-polar, at codon 822 of the LRBA protein (p.Ile822Val). This variant is present in population databases (rs765148995, gnomAD 0.002%). This variant has not been reported in the literature in individuals affected with LRBA-related conditions. ClinVar contains an entry for this variant (Variation ID: 1441754). Advanced modeling of protein sequence and biophysical properties (such as structural, functional, and spatial information, amino acid conservation, physicochemical variation, residue mobility, and thermodynamic stability) performed at Invitae indicates that this missense variant is not expected to disrupt LRBA protein function with a negative predictive value of 80%. In summary, the available evidence is currently insufficient to determine the role of this variant in disease. Therefore, it has been classified as a Variant of Uncertain Significance.

NM_001364905.1(LRBA):c.2464A>G (p.Ile822Val)

Gene: LRBA (LPS responsive beige-like anchor protein; minus strand). Cytogenetic location: 4q31.3.
Variant type: single nucleotide variant.
Coding change: c.2464A>G on transcript NM_001364905.1 (MANE Select); coding-DNA position 2464, A replaced by G.
Protein change: p.Ile822Val; replaces isoleucine 822 with valine.
Molecular consequence: missense variant.
Genome position (GRCh38, 1-based): chr4:150,868,291, T>C on the plus strand (A>G on the coding strand, the complement: LRBA is on the minus strand). VCF-style: chr4-150868291-T-C. GRCh37 (hg19) VCF-style: chr4-151789443-T-C.
Other names: c.2464A>G, p.Ile822Val (NM_001199282.3, NM_001367550.1, NM_006726.5); short protein forms I822V.
Identifiers: ClinVar variation 1441754 (VCV001441754.7), dbSNP rs765148995, ClinGen allele CA107831444.
Genomic context (GRCh38, chr4:150,868,291, plus strand): 5'-AGGCTCTGCGAACCTCCATGCTCTCTGGGCACTGGGGAGAATTTCGAAGTAGGGTCGCAA[T>C]TACTTTTAGTATCTCTGTAAGACAGTTTATAAATAAGTAAAAACCAAACTCAACAAAAAA-3'
Protein context (NP_001351834.1, residues 812-832): KIQNPQILKV[Ile822Val]ATLLRNSPQC